The following is an entry in ClinVar:

NM_016247.4(IMPG2):c.2233del (p.Glu745fs)

Gene: IMPG2 (interphotoreceptor matrix proteoglycan 2; minus strand). Cytogenetic location: 3q12.3.
Variant type: Deletion.
Coding change: c.2233del on transcript NM_016247.4 (MANE Select); coding-DNA position 2233, one base deleted (G; older notation c.2233delG).
Protein change: p.Glu745fs; shifts the reading frame from glutamic acid 745.
Molecular consequence: frameshift variant.
Genome position (GRCh38, 1-based): chr3:101,244,098, C deleted on the plus strand (G on the coding strand, the reverse complement: IMPG2 is on the minus strand); the first of 3 consecutive C bases (chr3:101,244,098-101,244,100); deleting any one gives the same sequence. VCF-style (leftmost placement, unchanged base first): chr3-101244097-TC-T. GRCh37 (hg19) VCF-style: chr3-100962941-TC-T.
Other names: short protein forms E745fs.
Identifiers: ClinVar variation 1065646 (VCV001065646.8), dbSNP rs1197126131, ClinGen allele CA545494270.

ClinVar aggregate classification (germline): Pathogenic/Likely pathogenic. Review status: criteria provided, multiple submitters, no conflicts (2 of 4 stars). 3 submissions from 3 submitters: Pathogenic (2); Likely pathogenic (1). Last evaluated 2022-06-20.

Conditions:
Retinitis pigmentosa 56 (RP56). Identifiers: Orphanet 791, MedGen C3150819, MONDO:0013314, OMIM 613581.
IMPG2-related disorders.

Submissions (3):

Labcorp Genetics (formerly Invitae), Labcorp
Classification: Pathogenic. Last evaluated: 2022-06-20. Review status: criteria provided, single submitter. Criteria: Invitae Variant Classification Sherloc (09022015). Collection method: clinical testing. Allele origin: germline.
Comment: For these reasons, this variant has been classified as Pathogenic. ClinVar contains an entry for this variant (Variation ID: 1065646). This variant has not been reported in the literature in individuals affected with IMPG2-related conditions. This variant is present in population databases (no rsID available, gnomAD 0.003%). This sequence change creates a premature translational stop signal (p.Glu745Argfs*22) in the IMPG2 gene. It is expected to result in an absent or disrupted protein product. Loss-of-function variants in IMPG2 are known to be pathogenic (PMID: 20673862).

Blueprint Genetics
Classification: Likely pathogenic for IMPG2-related disorders. Last evaluated: 2022-01-28. Review status: criteria provided, single submitter. Criteria: ACMG Guidelines, 2015. Collection method: clinical testing. Allele origin: germline. Affected: yes. Observed: 1 variant allele.

Ocular Genomics Institute, Massachusetts Eye and Ear
Classification: Pathogenic for Retinitis pigmentosa 56. Last evaluated: 2021-04-08. Review status: criteria provided, single submitter. Criteria: ACMG Guidelines, 2015. Collection method: research. Allele origin: germline. Affected: yes.
Comment: Through a review of available evidence we were able to apply the following criteria: PVS1, PM3, PM2. Based on this evidence we have classified this variant as Pathogenic.

Literature cited by the submitters: PubMed 20673862 (cited by Labcorp Genetics (formerly Invitae), Labcorp).